The following is an entry in ClinVar:

ClinVar aggregate classification (germline): Benign/Likely benign. Review status: criteria provided, multiple submitters, no conflicts (2 of 4 stars). 3 submissions from 3 submitters: Benign (1); Likely benign (2). Last evaluated 2025-04-24.

Conditions:
Hereditary cancer-predisposing syndrome. Also called: Neoplastic Syndromes, Hereditary; Hereditary neoplastic syndrome; Tumor predisposition; Hereditary Cancer Syndrome. Identifiers: Orphanet 140162, MedGen C0027672, MeSH D009386, MONDO:0015356.
Tuberous sclerosis 1 (TSC1). Identifiers: Orphanet 805, MedGen C1854465, MONDO:0008612, OMIM 191100.

Allele frequency attached by ClinVar (database versions not stated): gnomAD exomes below 0.00001; ExAC 0.00001; gnomAD 0.00001 and 0.00002; TOPMed 0.00001; 1000 Genomes Project 30x 0.00016; 1000 Genomes Project 0.00020.
gnomAD v4.1: 4 of 1,614,014 alleles (0.00025%); highest among the groups gnomAD compares: African/African-American, 0.0053%; no homozygotes.

Submissions (3):

Myriad Genetics, Inc.
Classification: Benign for Tuberous sclerosis 1. Last evaluated: 2025-04-24. Review status: criteria provided, single submitter. Criteria: Myriad Autosomal Dominant, Autosomal Recessive and X-Linked Classification Criteria (2023). Collection method: clinical testing. Allele origin: unknown.
Comment: This variant is considered benign. This variant is a silent/synonymous amino acid change and it is not expected to impact splicing.

Labcorp Genetics (formerly Invitae), Labcorp
Classification: Likely benign for Tuberous sclerosis 1. Last evaluated: 2024-03-30. Review status: criteria provided, single submitter. Criteria: Invitae Variant Classification Sherloc (09022015). Collection method: clinical testing. Allele origin: germline.

Ambry Genetics
Classification: Likely benign for Hereditary cancer-predisposing syndrome. Last evaluated: 2023-12-23. Review status: criteria provided, single submitter. Criteria: Ambry Variant Classification Scheme 2023. Collection method: clinical testing. Allele origin: germline.

NM_000368.5(TSC1):c.2092C>T (p.Leu698=)

Gene: TSC1 (TSC complex subunit 1; minus strand). Cytogenetic location: 9q34.13.
Variant type: single nucleotide variant.
Coding change: c.2092C>T on transcript NM_000368.5 (MANE Select); coding-DNA position 2092, C replaced by T.
Protein change: p.Leu698=; no amino-acid change (leucine 698 retained).
Molecular consequence: synonymous variant.
Genome position (GRCh38, 1-based): chr9:132,903,767, G>A on the plus strand (C>T on the coding strand, the complement: TSC1 is on the minus strand). VCF-style: chr9-132903767-G-A. GRCh37 (hg19) VCF-style: chr9-135779154-G-A.
Other names: c.2092C>T (NM_000368.4); c.2089C>T, p.Leu697= (NM_001162426.2); c.1939C>T, p.Leu647= (NM_001162427.2); c.1729C>T, p.Leu577= (NM_001362177.2).
Identifiers: ClinVar variation 1079061 (VCV001079061.11), dbSNP rs551954460, ClinGen allele CA031193.